The following is an entry in ClinVar:

ClinVar aggregate classification (germline): Uncertain significance (1 of 4 stars; one submission).

Conditions:
Congenital contractural arachnodactyly (CCA). Also called: BEALS SYNDROME; Arthrogryposis, distal, type 9; Beals-Hecht syndrome. Identifiers: Orphanet 115, MedGen C0220668, MONDO:0007363, OMIM 121050.

Submission:

Labcorp Genetics (formerly Invitae), Labcorp
Classification: Uncertain significance for Congenital contractural arachnodactyly. Last evaluated: 2025-02-19. Review status: criteria provided, single submitter. Criteria: Invitae Variant Classification Sherloc (09022015). Collection method: clinical testing. Allele origin: germline.
Comment: This sequence change falls in intron 12 of the FBN2 gene. It does not directly change the encoded amino acid sequence of the FBN2 protein. Information on the frequency of this variant in the gnomAD database is not available, as this variant may be reported differently in the database. This variant has not been reported in the literature in individuals affected with FBN2-related conditions. Experimental studies and prediction algorithms are not available or were not evaluated, and the effect of this variant on mRNA splicing is currently unknown. In summary, the available evidence is currently insufficient to determine the role of this variant in disease. Therefore, it has been classified as a Variant of Uncertain Significance.

NM_001999.4(FBN2):c.1723+13_1723+14delinsTT

Gene: FBN2 (fibrillin 2; minus strand). Cytogenetic location: 5q23.3.
Variant type: Indel.
Coding change: c.1723+13_1723+14delinsTT on transcript NM_001999.4 (MANE Select); bases 13 to 14 of the intron after coding-DNA position 1723, GC replaced by TT.
Molecular consequence: intron variant.
Genome position (GRCh38, 1-based): chr5:128,378,757-128,378,758, GC replaced by AA on the plus strand (GC replaced by TT on the coding strand, the reverse complement: FBN2 is on the minus strand). VCF-style: chr5-128378757-GC-AA. GRCh37 (hg19) VCF-style: chr5-127714450-GC-AA.
Identifiers: ClinVar variation 4780491 (VCV004780491.1).